The following is an entry in ClinVar:

NM_170707.4(LMNA):c.292G>A (p.Glu98Lys)

Gene: LMNA (lamin A/C; plus strand).
Variant type: single nucleotide variant.
Coding change: c.292G>A on transcript NM_170707.4 (MANE Select); coding-DNA position 292, G replaced by A.
Protein change: p.Glu98Lys; replaces glutamic acid 98 with lysine.
Molecular consequence: missense variant. On other transcripts: 5 prime UTR variant (8), intron variant (2).
Other names: c.292G>A, p.Glu98Lys (NM_001282625.2, NM_001282626.2, NM_001406983.1 and 6 more transcripts); c.-132G>A (NM_001406986.1); c.-110G>A (NM_001406990.1, NM_001406995.1, NM_001407002.1); c.-373G>A (NM_001406994.1, NM_001407000.1); c.-553G>A (NM_001406999.1); c.-216G>A (NM_001407001.1); c.-203+8387G>A (NM_001406993.1, NM_001407003.1); short protein forms E98K.
Identifiers: ClinVar variation 4686681 (VCV004686681.1).

ClinVar aggregate classification (germline): Uncertain significance (1 of 4 stars; one submission).

Conditions:
Primary dilated cardiomyopathy (DCM). Also called: Dilated Cardiomyopathy. Identifiers: Orphanet 217604, MedGen C0007193, MeSH D002311, MONDO:0005021, HP:0001644. Inheritance: Various modes of inheritance.

Submission:

Petrovsky National Research Centre of Surgery, The Federal Agency for Scientific Organizations
Classification: Uncertain significance for Primary dilated cardiomyopathy. Last evaluated: 2026-01-27. Review status: criteria provided, single submitter. Criteria: ACMG Guidelines, 2015. Collection method: clinical testing. Allele origin: germline. Affected: yes. Observed: 1 variant allele.
Comment: The variant is not in The Genome Aggregation Database (gnomAD) v4.1.0. (Date of access 2026-01-27). In accordance with ACMG (2015) criteria this variant is classified as Uncertain significance with following criteria selected: PM2, PP3.